The following is an entry in ClinVar:

ClinVar aggregate classification (germline): Conflicting classifications of pathogenicity. Review status: criteria provided, conflicting classifications (1 of 4 stars). 2 submissions from 2 submitters: Uncertain significance (1); Likely benign (1). Last evaluated 2026-05-22.

Conditions:
Cutis laxa, X-linked (OHS). Also called: EDS IX; Occipital horn syndrome. Identifiers: Orphanet 198, MedGen C0268353, MONDO:0010572, OMIM 304150.
X-linked distal spinal muscular atrophy type 3. Also called: ATP7A-Related Distal Motor Neuropathy; NEURONOPATHY, DISTAL HEREDITARY MOTOR, X-LINKED; NEUROPATHY, DISTAL HEREDITARY MOTOR, X-LINKED; SPINAL MUSCULAR ATROPHY, DISTAL, X-LINKED RECESSIVE. Identifiers: Orphanet 139557, MedGen C1845359, MONDO:0010338, OMIM 300489.
Menkes kinky-hair syndrome (MNK). Also called: Menkes Disease; Classic Menkes Disease; Copper transport disease. Identifiers: Orphanet 565, MedGen C0022716, MONDO:0010651, OMIM 309400.

Submissions (2):

Greenwood Genetic Center Diagnostic Laboratories, Greenwood Genetic Center
Classification: Uncertain significance. Last evaluated: 2026-05-22. Review status: criteria provided, single submitter. Criteria: ACMG Guidelines, 2015. Collection method: clinical testing. Allele origin: germline.
Comment: PM2, BP4

Labcorp Genetics (formerly Invitae), Labcorp
Classification: Likely benign for X-linked distal spinal muscular atrophy type 3; Cutis laxa, X-linked; Menkes kinky-hair syndrome. Last evaluated: 2022-08-18. Review status: criteria provided, single submitter. Criteria: Invitae Variant Classification Sherloc (09022015). Collection method: clinical testing. Allele origin: germline.

NM_000052.7(ATP7A):c.2538T>C (p.Asp846=)

Gene: ATP7A (ATPase copper transporting alpha; plus strand). Cytogenetic location: Xq21.1.
Variant type: single nucleotide variant.
Coding change: c.2538T>C on transcript NM_000052.7 (MANE Select); coding-DNA position 2538, T replaced by C.
Protein change: p.Asp846=; no amino-acid change (aspartic acid 846 retained).
Molecular consequence: synonymous variant.
Genome position (GRCh38, 1-based): chrX:78,015,793, T>C. VCF-style: chrX-78015793-T-C. GRCh37 (hg19) VCF-style: chrX-77271290-T-C.
Other names: c.2304T>C, p.Asp768= (NM_001282224.2).
Identifiers: ClinVar variation 1976094 (VCV001976094.6), dbSNP rs2077858783, ClinGen allele CA517061357.